The following is an entry in ClinVar:

ClinVar aggregate classification (germline): Conflicting classifications of pathogenicity. Review status: criteria provided, conflicting classifications (1 of 4 stars). 6 submissions from 6 submitters: Uncertain significance (2); Likely benign (4). Last evaluated 2026-07-01.

Conditions:
Early-infantile DEE. Also called: Ohtahara syndrome; Early infantile epileptic encephalopathy with suppression bursts; Early infantile epileptic encephalopathy. Identifiers: Orphanet 1934, MedGen C0393706, MONDO:0800491.
Inborn genetic diseases. Identifiers: MedGen C0950123, MeSH D030342.

Allele frequency attached by ClinVar (database versions not stated): gnomAD exomes 0.00002 and 0.00003; ExAC 0.00003; gnomAD 0.00005; TOPMed 0.00005.
gnomAD v4.1: 44 of 1,614,008 alleles (0.0027%); highest among the groups gnomAD compares: Middle Eastern, 0.066%; no homozygotes.

Submissions (6):

CeGaT Center for Human Genetics Tuebingen
Classification: Likely benign. Last evaluated: 2026-07-01. Review status: criteria provided, single submitter. Criteria: CeGaT Center For Human Genetics Tuebingen Variant Classification Criteria Version 2. Collection method: clinical testing. Allele origin: germline. Affected: yes. Observed: 1 variant allele.
Comment: ST3GAL3: BP4, BP7

Labcorp Genetics (formerly Invitae), Labcorp
Classification: Likely benign for Early-infantile DEE. Last evaluated: 2024-10-14. Review status: criteria provided, single submitter. Criteria: Invitae Variant Classification Sherloc (09022015). Collection method: clinical testing. Allele origin: germline.

Blueprint Genetics
Classification: Likely benign. Last evaluated: 2023-03-31. Review status: criteria provided, single submitter. Criteria: ACMG Guidelines, 2015. Collection method: clinical testing. Allele origin: germline.

Revvity Omics, Revvity
Classification: Uncertain significance. Last evaluated: 2021-02-04. Review status: criteria provided, single submitter. Criteria: ACMG Guidelines, 2015. Collection method: clinical testing. Allele origin: germline.

Ambry Genetics
Classification: Likely benign for Inborn genetic diseases. Last evaluated: 2020-03-16. Review status: criteria provided, single submitter. Criteria: Ambry Variant Classification Scheme 2023. Collection method: clinical testing. Allele origin: germline.

Genetic Services Laboratory, University of Chicago
Classification: Uncertain significance. Last evaluated: 2015-07-28. Review status: criteria provided, single submitter. Criteria: ACMG Guidelines, 2015. Collection method: clinical testing. Allele origin: germline.

NM_006279.5(ST3GAL3):c.945C>T (p.Asp315=)

Gene: ST3GAL3 (ST3 beta-galactoside alpha-2,3-sialyltransferase 3; plus strand). Cytogenetic location: 1p34.1.
Variant type: single nucleotide variant.
Coding change: c.945C>T on transcript NM_006279.5 (MANE Select); coding-DNA position 945, C replaced by T.
Protein change: p.Asp315=; no amino-acid change (aspartic acid 315 retained).
Molecular consequence: synonymous variant. On other transcripts: non-coding transcript variant (6), intron variant (11).
Genome position (GRCh38, 1-based): chr1:43,920,835, C>T. VCF-style: chr1-43920835-C-T. GRCh37 (hg19) VCF-style: chr1-44386507-C-T.
Other names: c.855C>T, p.Asp285= (NM_001270459.2); c.852C>T, p.Asp284= (NM_001270460.2); c.990C>T, p.Asp330= (NM_001350619.2, NM_174964.4); c.945C>T, p.Asp315= (NM_001350620.2); c.666C>T, p.Asp222= (NM_001350621.2); c.1152C>T, p.Asp384= (NM_174963.5); c.1107C>T, p.Asp369= (NM_174968.5); c.897C>T, p.Asp299= (NM_174969.4); and 12 more.
Identifiers: ClinVar variation 212312 (VCV000212312.23), dbSNP rs748922857, ClinGen allele CA208211.
Genomic context (GRCh38, chr1:43,920,835, plus strand): 5'-CTTCTAGAACATCCCTACCCTTGGCAGTGTGGCAGTGACCATGGCACTACACGGCTGTGA[C>T]GAGGTGGCAGTCGCAGGATTTGGCTATGACATGAGCACACCCAACGCACCCCTGCACTAC-3'
Protein context (NP_006270.1, residues 305-325): VAVTMALHGC[Asp315=]EVAVAGFGYD